The following is an entry in ClinVar:

ClinVar aggregate classification (germline): Uncertain significance (1 of 4 stars; one submission).

Submission:

Labcorp Genetics (formerly Invitae), Labcorp
Classification: Uncertain significance. Last evaluated: 2022-01-11. Review status: criteria provided, single submitter. Criteria: Invitae Variant Classification Sherloc (09022015). Collection method: clinical testing. Allele origin: germline.
Comment: In summary, the available evidence is currently insufficient to determine the role of this variant in disease. Therefore, it has been classified as a Variant of Uncertain Significance. Algorithms developed to predict the effect of missense changes on protein structure and function are either unavailable or do not agree on the potential impact of this missense change (SIFT: "Deleterious"; PolyPhen-2: "Benign"; Align-GVGD: "Class C0"). This variant has not been reported in the literature in individuals affected with AP3D1-related conditions. This variant is not present in population databases (gnomAD no frequency). This sequence change replaces isoleucine, which is neutral and non-polar, with methionine, which is neutral and non-polar, at codon 1150 of the AP3D1 protein (p.Ile1150Met).

NM_001261826.3(AP3D1):c.3450C>G (p.Ile1150Met)

Gene: AP3D1 (adaptor related protein complex 3 subunit delta 1; minus strand). Cytogenetic location: 19p13.3.
Variant type: single nucleotide variant.
Coding change: c.3450C>G on transcript NM_001261826.3 (MANE Select); coding-DNA position 3450, C replaced by G.
Protein change: p.Ile1150Met; replaces isoleucine 1150 with methionine.
Molecular consequence: missense variant.
Genome position (GRCh38, 1-based): chr19:2,109,108, G>C on the plus strand (C>G on the coding strand, the complement: AP3D1 is on the minus strand). VCF-style: chr19-2109108-G-C. GRCh37 (hg19) VCF-style: chr19-2109107-G-C.
Other names: c.3414C>G, p.Ile1138Met (NM_001374799.1); c.3264C>G, p.Ile1088Met (NM_003938.8); short protein forms I1088M, I1138M, I1150M.
Identifiers: ClinVar variation 2080034 (VCV002080034.4), dbSNP rs2512123665, ClinGen allele CA403200853.